The following is an entry in ClinVar:

ClinVar aggregate classification (germline): Uncertain significance. Review status: criteria provided, multiple submitters, no conflicts (2 of 4 stars). 3 submissions from 3 submitters: Uncertain significance (3). Last evaluated 2025-11-08.

Conditions:
Inborn genetic diseases. Identifiers: MedGen C0950123, MeSH D030342.

Allele frequency attached by ClinVar (database versions not stated): gnomAD 0.00021 and 0.00023; ExAC 0.00023; ESP Exome Variant Server 0.00042; TOPMed 0.00019; gnomAD exomes 0.00021.
gnomAD v4.1: 432 of 1,533,780 alleles (0.028%); highest among the groups gnomAD compares: Admixed American, 0.042%; 1 homozygote.

Submissions (3):

Ambry Genetics
Classification: Uncertain significance for Inborn genetic diseases. Last evaluated: 2025-11-08. Review status: criteria provided, single submitter. Criteria: Ambry Variant Classification Scheme 2023. Collection method: clinical testing. Allele origin: germline.

GeneDx
Classification: Uncertain significance. Last evaluated: 2023-05-05. Review status: criteria provided, single submitter. Criteria: GeneDx Variant Classification Process June 2021. Collection method: clinical testing. Allele origin: germline. Affected: yes.
Comment: In silico analysis supports that this missense variant has a deleterious effect on protein structure/function; Has not been previously published as pathogenic or benign to our knowledge; Reported using an alternate transcript of the gene

Mayo Clinic Laboratories, Mayo Clinic
Classification: Uncertain significance. Last evaluated: 2021-01-07. Review status: criteria provided, single submitter. Criteria: ACMG Guidelines, 2015. Collection method: clinical testing. Allele origin: germline. Observed: 1 variant allele.

NM_198569.3(ADGRG6):c.1672C>T (p.Arg558Trp)

Gene: ADGRG6 (adhesion G protein-coupled receptor G6; plus strand). Cytogenetic location: 6q24.2.
Variant type: single nucleotide variant.
Coding change: c.1672C>T on transcript NM_198569.3 (MANE Select); coding-DNA position 1672, C replaced by T.
Protein change: p.Arg558Trp; replaces arginine 558 with tryptophan.
Molecular consequence: missense variant.
Genome position (GRCh38, 1-based): chr6:142,400,589, C>T. VCF-style: chr6-142400589-C-T. GRCh37 (hg19) VCF-style: chr6-142721726-C-T.
Other names: c.1588C>T, p.Arg530Trp (NM_001032394.3, NM_001032395.3); c.1672C>T, p.Arg558Trp (NM_020455.6); short protein forms R530W, R558W.
Identifiers: ClinVar variation 1163275 (VCV001163275.8), dbSNP rs373346856, ClinGen allele CA4026974.